The following is an entry in ClinVar:

NM_001164508.2(NEB):c.25066G>A (p.Val8356Ile)

Genes: NEB (nebulin; minus strand), RIF1 (replication timing regulatory factor 1; plus strand). Cytogenetic location: 2q23.3.
Variant type: single nucleotide variant.
Coding change: c.25066G>A on transcript NM_001164508.2 (MANE Select); coding-DNA position 25066, G replaced by A.
Protein change: p.Val8356Ile; replaces valine 8356 with isoleucine.
Molecular consequence: missense variant.
Genome position (GRCh38, 1-based): chr2:151,491,767, C>T on the plus strand (G>A on the coding strand, the complement: NEB is on the minus strand). VCF-style: chr2-151491767-C-T. GRCh37 (hg19) VCF-style: chr2-152348281-C-T.
Other names: c.25066G>A, p.Val8356Ile (NM_001164507.2); c.25171G>A, p.Val8391Ile (NM_001271208.2); c.19498G>A, p.Val6500Ile (NM_004543.5); short protein forms V6500I, V8391I, V8356I.
Identifiers: ClinVar variation 2084279 (VCV002084279.2), dbSNP rs866183504, ClinGen allele CA348771953.

ClinVar aggregate classification (germline): Uncertain significance (1 of 4 stars; one submission).

Conditions:
Nemaline myopathy 2 (NEM2). Also called: Nemaline myopathy 2, autosomal recessive. Identifiers: MedGen C1850569, MONDO:0009725, OMIM 256030.

Submission:

Labcorp Genetics (formerly Invitae), Labcorp
Classification: Uncertain significance for Nemaline myopathy 2. Last evaluated: 2022-08-23. Review status: criteria provided, single submitter. Criteria: Invitae Variant Classification Sherloc (09022015). Collection method: clinical testing. Allele origin: germline.
Comment: In summary, the available evidence is currently insufficient to determine the role of this variant in disease. Therefore, it has been classified as a Variant of Uncertain Significance. Algorithms developed to predict the effect of missense changes on protein structure and function are either unavailable or do not agree on the potential impact of this missense change (SIFT: "Deleterious"; PolyPhen-2: "Not Available"; Align-GVGD: "Class C0"). This variant has not been reported in the literature in individuals affected with NEB-related conditions. The frequency data for this variant in the population databases is considered unreliable, as metrics indicate poor data quality at this position in the gnomAD database. This sequence change replaces valine, which is neutral and non-polar, with isoleucine, which is neutral and non-polar, at codon 8391 of the NEB protein (p.Val8391Ile).